The following is an entry in ClinVar:

NM_021930.6(RINT1):c.2259_2265dup (p.Gly756fs)

Genes: EFCAB10 (EF-hand calcium binding domain 10; minus strand), RINT1 (RAD50 interactor 1; plus strand). Cytogenetic location: 7q22.3.
Variant type: Duplication.
Coding change: c.2259_2265dup on transcript NM_021930.6 (MANE Select); coding-DNA positions 2259 to 2265, 7 bases duplicated (AGCTTCA; older notation c.2259_2265dupAGCTTCA).
Protein change: p.Gly756fs; shifts the reading frame from glycine 756.
Molecular consequence: frameshift variant. On other transcripts: 3 prime UTR variant (2), non-coding transcript variant (1), intron variant (3).
Genome position (GRCh38, 1-based): chr7:105,567,191-105,567,197, AGCTTCA duplicated. VCF-style (leftmost placement, unchanged base first): chr7-105567190-C-CAGCTTCA. GRCh37 (hg19) VCF-style: chr7-105207637-C-CAGCTTCA.
Other names: c.*257_*263dup (NM_001355527.2, NM_001355529.2); c.2025_2031dup, p.Gly678fs (NM_001346599.2); c.1236_1242dup, p.Gly415fs (NM_001346600.2, NM_001346603.2); c.1335_1341dup, p.Gly448fs (NM_001346601.2); c.360-1750_360-1744dup (NM_001355531.2); c.383+270_383+276dup (NM_001355526.2, NM_001355530.2); short protein forms G415fs, G448fs, G678fs, G756fs.
Identifiers: ClinVar variation 1008749 (VCV001008749.6), dbSNP rs1791801428, ClinGen allele CA1731752873.

ClinVar aggregate classification (germline): Uncertain significance (1 of 4 stars; one submission).

Submission:

Labcorp Genetics (formerly Invitae), Labcorp
Classification: Uncertain significance. Last evaluated: 2017-06-13. Review status: criteria provided, single submitter. Criteria: Invitae Variant Classification Sherloc (09022015). Collection method: clinical testing. Allele origin: germline.
Comment: This variant has not been reported in the literature in individuals with a RINT1-related disease. This variant is not present in population databases (ExAC no frequency). This sequence change results in a premature translational stop signal in the RINT1 gene (p.Gly756Serfs*13). While this is not anticipated to result in nonsense mediated decay, it is expected to disrupt the last 37 amino acids of the RINT1 protein. In summary, this variant has uncertain impact on RINT1 function. The available evidence is currently insufficient to determine its role in disease. Therefore, it has been classified as a Variant of Uncertain Significance.